The following is an entry in ClinVar:

NM_000443.4(ABCB4):c.1536T>G (p.Tyr512Ter)

Gene: ABCB4 (ATP binding cassette subfamily B member 4; minus strand). Cytogenetic location: 7q21.12.
Variant type: single nucleotide variant.
Coding change: c.1536T>G on transcript NM_000443.4 (MANE Select); coding-DNA position 1536, T replaced by G.
Protein change: p.Tyr512Ter; replaces tyrosine 512 with a stop codon.
Molecular consequence: nonsense.
Genome position (GRCh38, 1-based): chr7:87,440,223, A>C on the plus strand (T>G on the coding strand, the complement: ABCB4 is on the minus strand). VCF-style: chr7-87440223-A-C. GRCh37 (hg19) VCF-style: chr7-87069539-A-C.
Other names: c.1536T>G, p.Tyr512Ter (NM_018849.3, NM_018850.3); short protein forms Y512*.
Identifiers: ClinVar variation 4856362 (VCV004856362.1).

ClinVar aggregate classification (germline): Likely pathogenic (1 of 4 stars; one submission).

Conditions:
Progressive familial intrahepatic cholestasis type 3. Also called: MDR3 DEFICIENCY; Low Gamma-GT Familial Intrahepatic Cholestasis. Identifiers: Orphanet 79305, MedGen C1865643, MONDO:0011214, OMIM 602347.

Submission:

3billion
Classification: Likely pathogenic for Progressive familial intrahepatic cholestasis type 3. Last evaluated: 2025-11-26. Review status: criteria provided, single submitter. Criteria: ACMG Guidelines, 2015. Collection method: clinical testing. Allele origin: germline. Affected: yes.
Comment: The variant is not observed in the gnomAD v4.1.0 dataset. Predicted Consequence/Location: Stop-gained (nonsense): predicted to result in a loss or disruption of normal protein function through nonsense-mediated decay (NMD) or protein truncation. Multiple pathogenic variants are reported downstream of the variant. Therefore, this variant is classified as Likely pathogenic according to the recommendation of ACMG/AMP guideline.